The following is an entry in ClinVar:

ClinVar aggregate classification (germline): Uncertain significance (1 of 4 stars; one submission).

Conditions:
Inborn genetic diseases. Identifiers: MedGen C0950123, MeSH D030342.

gnomAD v4.1: 1 of 1,610,658 alleles (0.000062%); highest among the groups gnomAD compares: East Asian, 0.0022%; no homozygotes.

Submission:

Ambry Genetics
Classification: Uncertain significance for Inborn genetic diseases. Last evaluated: 2024-11-21. Review status: criteria provided, single submitter. Criteria: Ambry Variant Classification Scheme 2023. Collection method: clinical testing. Allele origin: germline.
Comment: The p.S174P variant (also known as c.520T>C), located in coding exon 5 of the PAX5 gene, results from a T to C substitution at nucleotide position 520. The serine at codon 174 is replaced by proline, an amino acid with similar properties. This amino acid position is conserved. In addition, the in silico prediction for this alteration is inconclusive. Based on the available evidence, the clinical significance of this variant remains unclear.

NM_016734.3(PAX5):c.520T>C (p.Ser174Pro)

Genes: PAX5 (paired box 5; minus strand), LOC105376032 (uncharacterized LOC105376032; plus strand). Cytogenetic location: 9p13.2.
Variant type: single nucleotide variant.
Coding change: c.520T>C on transcript NM_016734.3 (MANE Select); coding-DNA position 520, T replaced by C.
Protein change: p.Ser174Pro; replaces serine 174 with proline.
Molecular consequence: missense variant. On other transcripts: non-coding transcript variant (4), intron variant (2).
Genome position (GRCh38, 1-based): chr9:37,002,732, A>G on the plus strand (T>C on the coding strand, the complement: PAX5 is on the minus strand). VCF-style: chr9-37002732-A-G. GRCh37 (hg19) VCF-style: chr9-37002729-A-G.
Other names: c.520T>C, p.Ser174Pro (NM_001280547.2, NM_001280548.2, NM_001280549.2 and 2 more transcripts); c.196T>C, p.Ser66Pro (NM_001280551.2, NM_001280556.2); c.322T>C, p.Ser108Pro (NM_001280555.2); c.475+3741T>C (NM_001280553.2, NM_001280554.2); short protein forms S108P, S66P, S174P.
Identifiers: ClinVar variation 3414522 (VCV003414522.1).